The following is an entry in ClinVar:

NM_018139.3(DNAAF2):c.2426T>G (p.Met809Arg)

Gene: DNAAF2 (dynein axonemal assembly factor 2; minus strand). Cytogenetic location: 14q21.3.
Variant type: single nucleotide variant.
Coding change: c.2426T>G on transcript NM_018139.3 (MANE Select); coding-DNA position 2426, T replaced by G.
Protein change: p.Met809Arg; replaces methionine 809 with arginine.
Molecular consequence: missense variant.
Genome position (GRCh38, 1-based): chr14:49,625,630, A>C on the plus strand (T>G on the coding strand, the complement: DNAAF2 is on the minus strand). VCF-style: chr14-49625630-A-C. GRCh37 (hg19) VCF-style: chr14-50092348-A-C.
Other names: c.2282T>G, p.Met761Arg (NM_001083908.2); c.215T>G, p.Met72Arg (NM_001378453.1); short protein forms M761R, M809R, M72R.
Identifiers: ClinVar variation 1959072 (VCV001959072.7), dbSNP rs1287126715, ClinGen allele CA389622846.

ClinVar aggregate classification (germline): Uncertain significance. Review status: criteria provided, multiple submitters, no conflicts (2 of 4 stars). 2 submissions from 2 submitters: Uncertain significance (2). Last evaluated 2025-02-05.

Conditions:
Primary ciliary dyskinesia. Also called: Ciliary dyskinesia. Identifiers: Orphanet 244, MedGen C0008780, MONDO:0016575, HP:0012265.

Allele frequency attached by ClinVar (database versions not stated): TOPMed 0.00001; gnomAD 0.00002; gnomAD exomes 0.00002.
gnomAD v4.1: 36 of 1,613,622 alleles (0.0022%); highest among the groups gnomAD compares: Non-Finnish European, 0.0028%; no homozygotes.

Submissions (2):

Ambry Genetics
Classification: Uncertain significance for Primary ciliary dyskinesia. Last evaluated: 2025-02-05. Review status: criteria provided, single submitter. Criteria: Ambry Variant Classification Scheme 2023. Collection method: clinical testing. Allele origin: germline.

Labcorp Genetics (formerly Invitae), Labcorp
Classification: Uncertain significance for Primary ciliary dyskinesia. Last evaluated: 2025-02-01. Review status: criteria provided, single submitter. Criteria: Invitae Variant Classification Sherloc (09022015). Collection method: clinical testing. Allele origin: germline.
Comment: This sequence change replaces methionine, which is neutral and non-polar, with arginine, which is basic and polar, at codon 809 of the DNAAF2 protein (p.Met809Arg). This variant is present in population databases (no rsID available, gnomAD 0.004%). This variant has not been reported in the literature in individuals affected with DNAAF2-related conditions. ClinVar contains an entry for this variant (Variation ID: 1959072). Invitae Evidence Modeling of protein sequence and biophysical properties (such as structural, functional, and spatial information, amino acid conservation, physicochemical variation, residue mobility, and thermodynamic stability) indicates that this missense variant is expected to disrupt DNAAF2 protein function with a positive predictive value of 80%. In summary, the available evidence is currently insufficient to determine the role of this variant in disease. Therefore, it has been classified as a Variant of Uncertain Significance.